The following is an entry in ClinVar:

NM_021831.6(AGBL5):c.2201A>G (p.Lys734Arg)

Gene: AGBL5 (AGBL carboxypeptidase 5; plus strand). Cytogenetic location: 2p23.3.
Variant type: single nucleotide variant.
Coding change: c.2201A>G on transcript NM_021831.6 (MANE Select); coding-DNA position 2201, A replaced by G.
Protein change: p.Lys734Arg; replaces lysine 734 with arginine.
Molecular consequence: missense variant. On other transcripts: non-coding transcript variant (2).
Genome position (GRCh38, 1-based): chr2:27,067,605, A>G. VCF-style: chr2-27067605-A-G. GRCh37 (hg19) VCF-style: chr2-27290473-A-G.
Other names: c.2201A>G, p.Lys734Arg (NM_001035506.1); c.2201A>G (NM_021831.5); short protein forms K734R.
Identifiers: ClinVar variation 1915409 (VCV001915409.7), dbSNP rs777612448, ClinGen allele CA44459459.

ClinVar aggregate classification (germline): Uncertain significance. Review status: criteria provided, multiple submitters, no conflicts (2 of 4 stars). 3 submissions from 3 submitters: Uncertain significance (3). Last evaluated 2024-12-12.

Conditions:
Inborn genetic diseases. Identifiers: MedGen C0950123, MeSH D030342.

Allele frequency attached by ClinVar (database versions not stated): gnomAD 0.00001; gnomAD exomes 0.00001; TOPMed 0.00002.

Submissions (3):

Ambry Genetics
Classification: Uncertain significance for Inborn genetic diseases. Last evaluated: 2024-12-12. Review status: criteria provided, single submitter. Criteria: Ambry Variant Classification Scheme 2023. Collection method: clinical testing. Allele origin: germline.

Labcorp Genetics (formerly Invitae), Labcorp
Classification: Uncertain significance. Last evaluated: 2022-03-11. Review status: criteria provided, single submitter. Criteria: Invitae Variant Classification Sherloc (09022015). Collection method: clinical testing. Allele origin: germline.
Comment: In summary, the available evidence is currently insufficient to determine the role of this variant in disease. Therefore, it has been classified as a Variant of Uncertain Significance. Algorithms developed to predict the effect of missense changes on protein structure and function (SIFT, PolyPhen-2, Align-GVGD) all suggest that this variant is likely to be tolerated. This variant has not been reported in the literature in individuals affected with AGBL5-related conditions. This variant is present in population databases (rs777612448, gnomAD 0.004%). This sequence change replaces lysine, which is basic and polar, with arginine, which is basic and polar, at codon 734 of the AGBL5 protein (p.Lys734Arg).

Blueprint Genetics
Classification: Uncertain significance. Last evaluated: 2019-04-05. Review status: criteria provided, single submitter. Criteria: ACMG Guidelines, 2015. Collection method: clinical testing. Allele origin: germline.